The following is an entry in ClinVar:

ClinVar aggregate classification (germline): Uncertain significance (1 of 4 stars; one submission).

gnomAD v4.1: 1 of 1,577,670 alleles (0.000063%); highest among the groups gnomAD compares: Non-Finnish European, 0.000086%; no homozygotes.

Submission:

GeneDx
Classification: Uncertain significance. Last evaluated: 2022-02-03. Review status: criteria provided, single submitter. Criteria: GeneDx Variant Classification Process June 2021. Collection method: clinical testing. Allele origin: germline. Affected: yes.
Comment: Not observed at significant frequency in large population cohorts (gnomAD); Missense variant in a gene in which most reported pathogenic variants are truncating/loss-of-function; Has not been previously published as pathogenic or benign to our knowledge

NM_001267550.2(TTN):c.31630G>C (p.Val10544Leu)

Gene: TTN (titin; minus strand). Cytogenetic location: 2q31.2.
Variant type: single nucleotide variant.
Coding change: c.31630G>C on transcript NM_001267550.2 (MANE Select); coding-DNA position 31630, G replaced by C.
Protein change: p.Val10544Leu; replaces valine 10544 with leucine.
Molecular consequence: missense variant. On other transcripts: intron variant (3).
Genome position (GRCh38, 1-based): chr2:178,692,545, C>G on the plus strand (G>C on the coding strand, the complement: TTN is on the minus strand). VCF-style: chr2-178692545-C-G. GRCh37 (hg19) VCF-style: chr2-179557272-C-G.
Other names: c.30679G>C, p.Val10227Leu (NM_001256850.1); c.27898G>C, p.Val9300Leu (NM_133378.4); c.13282+45537G>C (NM_003319.4); c.13858+45537G>C (NM_133437.4); c.13657+45537G>C (NM_133432.3); short protein forms V10227L, V10544L, V9300L.
Identifiers: ClinVar variation 1700554 (VCV001700554.2), dbSNP rs2154280405, ClinGen allele CA349559732.
Genomic context (GRCh38, chr2:178,692,545, plus strand): 5'-ATATTATTCTACCTTTTGGTGCTGGGGGCTCCACTTTTTTAGGGATAGGAACAGGGGCCA[C>G]TTCTTCTGGAGCTGGTTTCTCAGGTAGCTCAGGGACTTTAAAAGAAAAGTGCCATTTTTG-3'
Protein context (NP_001254479.2, residues 10534-10554): ELPEKPAPEE[Val10544Leu]APVPIPKKVE